The following is an entry in ClinVar:

NM_145059.3(FCSK):c.523G>A (p.Ala175Thr)

Gene: FCSK (fucose kinase; plus strand). Cytogenetic location: 16q22.1.
Variant type: single nucleotide variant.
Coding change: c.523G>A on transcript NM_145059.3 (MANE Select); coding-DNA position 523, G replaced by A.
Protein change: p.Ala175Thr; replaces alanine 175 with threonine.
Molecular consequence: missense variant.
Genome position (GRCh38, 1-based): chr16:70,467,412, G>A. VCF-style: chr16-70467412-G-A. GRCh37 (hg19) VCF-style: chr16-70501315-G-A.
Other names: short protein forms A175T.
Identifiers: ClinVar variation 1969109 (VCV001969109.5), dbSNP rs777359819, ClinGen allele CA8142972.

ClinVar aggregate classification (germline): Uncertain significance (1 of 4 stars; one submission).

Allele frequency attached by ClinVar (database versions not stated): gnomAD 0.00001; gnomAD exomes 0.00001; TOPMed 0.00001; ExAC 0.00002.
gnomAD v4.1: 9 of 1,610,678 alleles (0.00056%); highest among the groups gnomAD compares: Non-Finnish European, 0.00076%; no homozygotes.

Submission:

Labcorp Genetics (formerly Invitae), Labcorp
Classification: Uncertain significance. Last evaluated: 2022-04-01. Review status: criteria provided, single submitter. Criteria: Invitae Variant Classification Sherloc (09022015). Collection method: clinical testing. Allele origin: germline.
Comment: This sequence change replaces alanine, which is neutral and non-polar, with threonine, which is neutral and polar, at codon 175 of the FUK protein (p.Ala175Thr). This variant is present in population databases (rs777359819, gnomAD 0.003%). This variant has not been reported in the literature in individuals affected with FUK-related conditions. Algorithms developed to predict the effect of missense changes on protein structure and function (SIFT, PolyPhen-2, Align-GVGD) all suggest that this variant is likely to be tolerated. In summary, the available evidence is currently insufficient to determine the role of this variant in disease. Therefore, it has been classified as a Variant of Uncertain Significance.